The following is an entry in ClinVar:

ClinVar aggregate classification (germline): Uncertain significance (1 of 4 stars; one submission).

Conditions:
Pierpont syndrome (PRPTS). Identifiers: Orphanet 487825, MedGen C1865644, MONDO:0011213, OMIM 602342.

Submission:

Labcorp Genetics (formerly Invitae), Labcorp
Classification: Uncertain significance for Pierpont syndrome. Last evaluated: 2025-11-06. Review status: criteria provided, single submitter. Criteria: Invitae Variant Classification Sherloc (09022015). Collection method: clinical testing. Allele origin: germline.
Comment: This sequence change replaces isoleucine, which is neutral and non-polar, with threonine, which is neutral and polar, at codon 84 of the TBL1XR1 protein (p.Ile84Thr). This variant is not present in population databases (gnomAD no frequency). This variant has not been reported in the literature in individuals affected with TBL1XR1-related conditions. Invitae Evidence Modeling of protein sequence and biophysical properties (such as structural, functional, and spatial information, amino acid conservation, physicochemical variation, residue mobility, and thermodynamic stability) indicates that this missense variant is expected to disrupt TBL1XR1 protein function with a positive predictive value of 95%. In summary, the available evidence is currently insufficient to determine the role of this variant in disease. Therefore, it has been classified as a Variant of Uncertain Significance.

NM_024665.7(TBL1XR1):c.251T>C (p.Ile84Thr)

Gene: TBL1XR1 (TBL1X/Y related 1; minus strand). Cytogenetic location: 3q26.32.
Variant type: single nucleotide variant.
Coding change: c.251T>C on transcript NM_024665.7 (MANE Select); coding-DNA position 251, T replaced by C.
Protein change: p.Ile84Thr; replaces isoleucine 84 with threonine.
Molecular consequence: missense variant. On other transcripts: 5 prime UTR variant (2).
Genome position (GRCh38, 1-based): chr3:177,051,680, A>G on the plus strand (T>C on the coding strand, the complement: TBL1XR1 is on the minus strand). VCF-style: chr3-177051680-A-G. GRCh37 (hg19) VCF-style: chr3-176769468-A-G.
Other names: c.251T>C, p.Ile84Thr (NM_001321193.3, NM_001321194.3, NM_001374327.1 and 2 more transcripts); c.-11T>C (NM_001321195.3, NM_001374330.1); short protein forms I84T.
Identifiers: ClinVar variation 4801771 (VCV004801771.1).
Genomic context (GRCh38, chr3:177,051,680, plus strand): 5'-GCAAGCTTATCTCTATAAGCTTGTTGTCTTGTTTGTACTACATCAGGCATTACGGCATCT[A>G]TCAGGGACAGAGACTCTATTGGTCGACCATCAAACAAGGTACCATCCTGGATTTGGAAAA-3'
Protein context (NP_078941.2, residues 74-94): DGRPIESLSL[Ile84Thr]DAVMPDVVQT